The following is an entry in ClinVar:

NM_000417.3(IL2RA):c.297A>T (p.Glu99Asp)

Gene: IL2RA (interleukin 2 receptor subunit alpha; minus strand). Cytogenetic location: 10p15.1.
Variant type: single nucleotide variant.
Coding change: c.297A>T on transcript NM_000417.3 (MANE Select); coding-DNA position 297, A replaced by T.
Protein change: p.Glu99Asp; replaces glutamic acid 99 with aspartic acid.
Molecular consequence: missense variant.
Genome position (GRCh38, 1-based): chr10:6,024,314, T>A on the plus strand (A>T on the coding strand, the complement: IL2RA is on the minus strand). VCF-style: chr10-6024314-T-A. GRCh37 (hg19) VCF-style: chr10-6066277-T-A.
Other names: p.Glu99Asp; c.297A>T, p.Glu99Asp (NM_001308242.2, NM_001308243.2); short protein forms E99D.
Identifiers: ClinVar variation 577868 (VCV000577868.12), dbSNP rs201105599, ClinGen allele CA5397496.

ClinVar aggregate classification (germline): Uncertain significance. Review status: criteria provided, multiple submitters, no conflicts (2 of 4 stars). 4 submissions from 4 submitters: Uncertain significance (4). Last evaluated 2024-09-26.

Conditions:
Immunodeficiency due to CD25 deficiency. Also called: CD25 DEFICIENCY; IL2RA DEFICIENCY; IMMUNODEFICIENCY 41 WITH LYMPHOPROLIFERATION AND AUTOIMMUNITY. Identifiers: Orphanet 169100, MedGen C1853392, MONDO:0011664, OMIM 606367.

Allele frequency attached by ClinVar (database versions not stated): gnomAD exomes 0.00006 and 0.00008; ExAC 0.00007; gnomAD 0.00007 and 0.00008; TOPMed 0.00014; ESP Exome Variant Server 0.00023.
gnomAD v4.1: 126 of 1,614,032 alleles (0.0078%); highest among the groups gnomAD compares: Admixed American, 0.013%; no homozygotes.

Submissions (4):

Ambry Genetics
Classification: Uncertain significance. Last evaluated: 2024-09-26. Review status: criteria provided, single submitter. Criteria: Ambry Variant Classification Scheme 2023. Collection method: clinical testing. Allele origin: germline.

Mayo Clinic Laboratories, Mayo Clinic
Classification: Uncertain significance. Last evaluated: 2024-07-09. Review status: criteria provided, single submitter. Criteria: ACMG Guidelines, 2015. Collection method: clinical testing. Allele origin: germline. Observed: 1 variant allele.
Comment: BP4

Labcorp Genetics (formerly Invitae), Labcorp
Classification: Uncertain significance for Immunodeficiency due to CD25 deficiency. Last evaluated: 2023-12-18. Review status: criteria provided, single submitter. Criteria: Invitae Variant Classification Sherloc (09022015). Collection method: clinical testing. Allele origin: germline.
Comment: This sequence change replaces glutamic acid, which is acidic and polar, with aspartic acid, which is acidic and polar, at codon 99 of the IL2RA protein (p.Glu99Asp). This variant is present in population databases (rs201105599, gnomAD 0.01%). This variant has not been reported in the literature in individuals affected with IL2RA-related conditions. ClinVar contains an entry for this variant (Variation ID: 577868). Advanced modeling of protein sequence and biophysical properties (such as structural, functional, and spatial information, amino acid conservation, physicochemical variation, residue mobility, and thermodynamic stability) performed at Invitae indicates that this missense variant is not expected to disrupt IL2RA protein function with a negative predictive value of 80%. In summary, the available evidence is currently insufficient to determine the role of this variant in disease. Therefore, it has been classified as a Variant of Uncertain Significance.

Blueprint Genetics
Classification: Uncertain significance. Last evaluated: 2023-07-31. Review status: criteria provided, single submitter. Criteria: ACMG Guidelines, 2015. Collection method: clinical testing. Allele origin: germline.